The following is an entry in ClinVar:

NM_000372.5(TYR):c.1501C>T (p.Arg501Cys)

Gene: TYR (tyrosinase; plus strand). Cytogenetic location: 11q14.3.
Variant type: single nucleotide variant.
Coding change: c.1501C>T on transcript NM_000372.5 (MANE Select); coding-DNA position 1501, C replaced by T.
Protein change: p.Arg501Cys; replaces arginine 501 with cysteine.
Molecular consequence: missense variant.
Genome position (GRCh38, 1-based): chr11:89,295,277, C>T. VCF-style: chr11-89295277-C-T. GRCh37 (hg19) VCF-style: chr11-89028445-C-T.
Other names: c.1501C>T (NM_000372.4); short protein forms R501C.
Identifiers: ClinVar variation 3574121 (VCV003574121.2).
Genomic context (GRCh38, chr11:89,295,277, plus strand): 5'-GCGGCGATGGTAGGGGCCGTCCTCACTGCCCTGCTGGCAGGGCTTGTGAGCTTGCTGTGT[C>T]GTCACAAGAGAAAGCAGCTTCCTGAAGAAAAGCAGCCACTCCTCATGGAGAAAGAGGATT-3'
Protein context (NP_000363.1, residues 491-511): LLAGLVSLLC[Arg501Cys]HKRKQLPEEK

ClinVar aggregate classification (germline): Uncertain significance. Review status: criteria provided, multiple submitters, no conflicts (2 of 4 stars). 2 submissions from 2 submitters: Uncertain significance (2). Last evaluated 2024-10-18.

Conditions:
Oculocutaneous albinism type 1A (OCA1A). Also called: Albinism, oculocutaneous, type IA. Identifiers: Orphanet 352731, Orphanet 79431, MedGen C4551504, MONDO:0008745, OMIM 203100. Disease mechanism: loss of function.
Oculocutaneous albinism type 1B (OCA1B). Also called: ALBINISM, OCULOCUTANEOUS, TYPE IB; ALBINISM, YELLOW MUTANT TYPE; YELLOW ALBINISM. Identifiers: Orphanet 352731, Orphanet 352737, Orphanet 79434, MedGen C1847024, MONDO:0011749, OMIM 606952.
SKIN/HAIR/EYE PIGMENTATION 3, LIGHT/DARK SKIN (SHEP3). Also called: SKIN/HAIR/EYE PIGMENTATION, VARIATION IN, 3; EYE COLOR 1; EYE COLOR, GREEN/BLUE; SKIN/HAIR/EYE PIGMENTATION 3, BLUE/GREEN EYE COLOR; SKIN/HAIR/EYE PIGMENTATION 3, FRECKLING. Identifiers: MedGen C2677190, OMIM 601800.

gnomAD v4.1: 110 of 1,613,702 alleles (0.0068%); highest among the groups gnomAD compares: Admixed American, 0.018%; no homozygotes.

Submissions (2):

GeneDx
Classification: Uncertain significance. Last evaluated: 2024-10-18. Review status: criteria provided, single submitter. Criteria: GeneDx Variant Classification Process June 2021. Collection method: clinical testing. Allele origin: germline. Affected: yes.
Comment: In silico analysis indicates that this missense variant does not alter protein structure/function; Has not been previously published as pathogenic or benign to our knowledge

Fulgent Genetics
Classification: Uncertain significance for Oculocutaneous albinism type 1A; SKIN/HAIR/EYE PIGMENTATION 3, LIGHT/DARK SKIN; Oculocutaneous albinism type 1B. Last evaluated: 2024-06-08. Review status: criteria provided, single submitter. Criteria: ACMG Guidelines, 2015. Collection method: clinical testing. Allele origin: germline.